The following is an entry in ClinVar:

NM_030962.4(SBF2):c.3745A>G (p.Arg1249Gly)

Gene: SBF2 (SET binding factor 2; minus strand). Cytogenetic location: 11p15.4.
Variant type: single nucleotide variant.
Coding change: c.3745A>G on transcript NM_030962.4 (MANE Select); coding-DNA position 3745, A replaced by G.
Protein change: p.Arg1249Gly; replaces arginine 1249 with glycine.
Molecular consequence: missense variant.
Genome position (GRCh38, 1-based): chr11:9,829,404, T>C on the plus strand (A>G on the coding strand, the complement: SBF2 is on the minus strand). VCF-style: chr11-9829404-T-C. GRCh37 (hg19) VCF-style: chr11-9850951-T-C.
Other names: c.3745A>G, p.Arg1249Gly (NM_001386339.1); c.3616A>G, p.Arg1206Gly (NM_001386342.1); short protein forms R1249G, R1206G.
Identifiers: ClinVar variation 476926 (VCV000476926.9), dbSNP rs1554914278, ClinGen allele CA379645245.

ClinVar aggregate classification (germline): Uncertain significance (1 of 4 stars; one submission).

Conditions:
Charcot-Marie-Tooth disease type 4. Also called: Charcot-Marie-Tooth disease, type IV; Charcot-Marie-Tooth, Type 4. Identifiers: Orphanet 64749, MedGen C4082197, MONDO:0018995.

Allele frequency attached by ClinVar (database versions not stated): gnomAD exomes below 0.00001.
gnomAD v4.1: 2 of 1,614,152 alleles (0.00012%); highest among the groups gnomAD compares: Non-Finnish European, 0.00017%; no homozygotes.

Submission:

Labcorp Genetics (formerly Invitae), Labcorp
Classification: Uncertain significance for Charcot-Marie-Tooth disease type 4. Last evaluated: 2023-08-30. Review status: criteria provided, single submitter. Criteria: Invitae Variant Classification Sherloc (09022015). Collection method: clinical testing. Allele origin: germline.
Comment: In summary, the available evidence is currently insufficient to determine the role of this variant in disease. Therefore, it has been classified as a Variant of Uncertain Significance. Advanced modeling of protein sequence and biophysical properties (such as structural, functional, and spatial information, amino acid conservation, physicochemical variation, residue mobility, and thermodynamic stability) performed at Invitae indicates that this missense variant is not expected to disrupt SBF2 protein function. ClinVar contains an entry for this variant (Variation ID: 476926). This variant has not been reported in the literature in individuals affected with SBF2-related conditions. This variant is not present in population databases (gnomAD no frequency). This sequence change replaces arginine, which is basic and polar, with glycine, which is neutral and non-polar, at codon 1249 of the SBF2 protein (p.Arg1249Gly).